The following is an entry in ClinVar:

ClinVar aggregate classification (germline): Pathogenic (1 of 4 stars; one submission).

Conditions:
Thrombocytopenia 1. Also called: X-Linked Thrombocytopenia (XLT); X-linked thrombocytopenia with normal platelets; THROMBOCYTOPENIA, X-LINKED, 1. Identifiers: Orphanet 268322, Orphanet 852, MedGen C1839163, MONDO:0010743, OMIM 313900.
Wiskott-Aldrich syndrome (WAS). Also called: WISKOTT-ALDRICH SYNDROME 1; ALDRICH SYNDROME; IMMUNODEFICIENCY 2; Wiskott-aldrich syndrome, somatic. Identifiers: Orphanet 906, MedGen C0043194, MONDO:0010518, OMIM 301000.
X-linked severe congenital neutropenia (SCNX). Identifiers: Orphanet 86788, MedGen C1845987, MONDO:0010294, OMIM 300299.

Submission:

Labcorp Genetics (formerly Invitae), Labcorp
Classification: Pathogenic for Wiskott-Aldrich syndrome; X-linked severe congenital neutropenia; Thrombocytopenia 1. Last evaluated: 2024-04-25. Review status: criteria provided, single submitter. Criteria: Invitae Variant Classification Sherloc (09022015). Collection method: clinical testing. Allele origin: germline.
Comment: This sequence change creates a premature translational stop signal (p.Arg156Aspfs*105) in the WAS gene. It is expected to result in an absent or disrupted protein product. Loss-of-function variants in WAS are known to be pathogenic (PMID: 15284122). This variant is not present in population databases (gnomAD no frequency). This variant has not been reported in the literature in individuals affected with WAS-related conditions. For these reasons, this variant has been classified as Pathogenic.

Literature cited by the submitters: PubMed 15284122.

NM_000377.3(WAS):c.466del (p.Arg156fs)

Gene: WAS (WASP actin nucleation promoting factor; plus strand). Cytogenetic location: Xp11.23.
Variant type: Deletion.
Coding change: c.466del on transcript NM_000377.3 (MANE Select); coding-DNA position 466, one base deleted (A; older notation c.466delA).
Protein change: p.Arg156fs; shifts the reading frame from arginine 156.
Molecular consequence: frameshift variant.
Genome position (GRCh38, 1-based): chrX:48,685,948, A deleted. VCF-style (leftmost placement, unchanged base first): chrX-48685947-CA-C. GRCh37 (hg19) VCF-style: chrX-48544336-CA-C.
Other names: short protein forms R156fs.
Identifiers: ClinVar variation 2954375 (VCV002954375.3), dbSNP rs2519281331, ClinGen allele CA2740092127.